The following is an entry in ClinVar:

ClinVar aggregate classification (germline): Uncertain significance (1 of 4 stars; one submission).

Conditions:
Congenital myopathy 4A, autosomal dominant (CMYO4A). Identifiers: MedGen CN178536, MONDO:0800341, OMIM 255310.

Submission:

3billion
Classification: Uncertain significance for Congenital myopathy 4A, autosomal dominant. Last evaluated: 2024-11-25. Review status: criteria provided, single submitter. Criteria: ACMG Guidelines, 2015. Collection method: clinical testing. Allele origin: germline. Affected: yes.
Comment: The variant is not observed in the gnomAD v4.1.0 dataset. Predicted Consequence/Location: Missense variant. Missense changes are a common disease-causing mechanism. In silico tool predictions suggest damaging effect of the variant on gene or gene product [REVEL: 0.89 (>=0.6, sensitivity 0.68 and specificity 0.92); 3Cnet: 1.00 (>=0.6, sensitivity 0.72 and precision 0.9)]. A different missense change at the same codon (p.Ala4Val) has been reported to be associated with TPM3 related disorder (PMID: 19953533). Therefore, this variant is classified as VUS according to the recommendation of ACMG/AMP guideline.

Literature cited by the submitters: PubMed 19953533.

NM_152263.4(TPM3):c.10G>A (p.Ala4Thr)

Gene: TPM3 (tropomyosin 3; minus strand). Cytogenetic location: 1q21.3.
Variant type: single nucleotide variant.
Coding change: c.10G>A on transcript NM_152263.4 (MANE Select); coding-DNA position 10, G replaced by A.
Protein change: p.Ala4Thr; replaces alanine 4 with threonine.
Molecular consequence: missense variant. On other transcripts: non-coding transcript variant (1).
Genome position (GRCh38, 1-based): chr1:154,192,009, C>T on the plus strand (G>A on the coding strand, the complement: TPM3 is on the minus strand). VCF-style: chr1-154192009-C-T. GRCh37 (hg19) VCF-style: chr1-154164485-C-T.
Other names: c.10G>A, p.Ala4Thr (NM_001364679.2, NM_001364680.2, NM_001364681.2 and 1 more transcripts); short protein forms A4T.
Identifiers: ClinVar variation 4293438 (VCV004293438.1).